The following is an entry in ClinVar:

ClinVar aggregate classification (germline): Uncertain significance (1 of 4 stars; one submission).

Submission:

GeneDx
Classification: Uncertain significance. Last evaluated: 2024-01-03. Review status: criteria provided, single submitter. Criteria: GeneDx Variant Classification Process June 2021. Collection method: clinical testing. Allele origin: germline. Affected: yes.
Comment: Not observed at significant frequency in large population cohorts (gnomAD); In-frame deletion of 1 amino acids in a non-repeat region; In silico analysis supports a deleterious effect on protein structure/function; Has not been previously published as pathogenic or benign to our knowledge

NM_015057.5(MYCBP2):c.3949ATG[1] (p.Met1318del)

Gene: MYCBP2 (MYC binding protein 2; minus strand). Cytogenetic location: 13q22.3.
Variant type: Microsatellite.
Coding change: c.3949ATG[1] on transcript NM_015057.5 (MANE Select); one copy of the 3-base unit ATG starting at c.3949; the reference has two copies in a row; one copy, 3 bases deleted.
Protein change: p.Met1318del; deletes methionine 1318.
Molecular consequence: inframe deletion.
Genome position (GRCh38, 1-based): chr13:77,191,795-77,191,797, CAT deleted on the plus strand (ATG on the coding strand, the reverse complement: MYCBP2 is on the minus strand); deleting any 3 consecutive bases within chr13:77,191,795-77,191,800 gives the same sequence; the position shown is the placement nearest the transcript's 3' end. VCF-style (leftmost placement, unchanged base first): chr13-77191794-ACAT-A. GRCh37 (hg19) VCF-style: chr13-77765929-ACAT-A.
Other names: short protein forms M1318del.
Identifiers: ClinVar variation 3367413 (VCV003367413.1).
Genomic context (GRCh38, chr13:77,191,794, plus strand): 5'-CTGACACTCGGGCCCATGCCACATACCACCACCCAGCTTGCAGGAGAACAGGCTCATCAA[ACAT>A]CATTGCATATTTTTCTCTGAGAAAAAATTAGTGAGTCAAAAACAATATTTTCTTACTTCT-3'